The following is an entry in ClinVar:

ClinVar aggregate classification (germline): Uncertain significance. Review status: criteria provided, multiple submitters, no conflicts (2 of 4 stars). 2 submissions from 2 submitters: Uncertain significance (2). Last evaluated 2026-03-16.

Conditions:
Autosomal recessive ataxia, Beauce type. Also called: SYNE1-Related Autosomal Recessive Cerebellar Ataxia; SYNE1 Deficiency; Spinocerebellar ataxia, autosomal recessive 8; ATAXIA, RECESSIVE, OF BEAUCE. Identifiers: Orphanet 88644, MedGen C1853116, MONDO:0012549, OMIM 610743.
Emery-Dreifuss muscular dystrophy 4, autosomal dominant (EDMD4). Also called: EMERY-DREIFUSS MUSCULAR DYSTROPHY 4 WITH VARIABLE FEATURES. Identifiers: Orphanet 261, MedGen C2751807, MONDO:0013071, OMIM 612998.

Allele frequency attached by ClinVar (database versions not stated): gnomAD exomes below 0.00001.
gnomAD v4.1: 1 of 1,614,166 alleles (0.000062%); highest among the groups gnomAD compares: Non-Finnish European, 0.000085%; no homozygotes.

Submissions (2):

GeneDx
Classification: Uncertain significance. Last evaluated: 2026-03-16. Review status: criteria provided, single submitter. Criteria: GeneDx Variant Classification Process June 2021. Collection method: clinical testing. Allele origin: germline.
Comment: Not observed at significant frequency in large population cohorts (gnomAD); In silico analysis supports that this missense variant has a deleterious effect on protein structure/function; Has not been previously published as pathogenic or benign to our knowledge

Labcorp Genetics (formerly Invitae), Labcorp
Classification: Uncertain significance for Emery-Dreifuss muscular dystrophy 4, autosomal dominant; Autosomal recessive ataxia, Beauce type. Last evaluated: 2022-08-23. Review status: criteria provided, single submitter. Criteria: Invitae Variant Classification Sherloc (09022015). Collection method: clinical testing. Allele origin: germline.
Comment: This sequence change replaces leucine, which is neutral and non-polar, with valine, which is neutral and non-polar, at codon 6736 of the SYNE1 protein (p.Leu6736Val). This variant is not present in population databases (gnomAD no frequency). This variant has not been reported in the literature in individuals affected with SYNE1-related conditions. ClinVar contains an entry for this variant (Variation ID: 1358083). Algorithms developed to predict the effect of missense changes on protein structure and function (SIFT, PolyPhen-2, Align-GVGD) all suggest that this variant is likely to be disruptive. Algorithms developed to predict the effect of sequence changes on RNA splicing suggest that this variant may create or strengthen a splice site. In summary, the available evidence is currently insufficient to determine the role of this variant in disease. Therefore, it has been classified as a Variant of Uncertain Significance.

NM_182961.4(SYNE1):c.20419C>G (p.Leu6807Val)

Gene: SYNE1 (spectrin repeat containing nuclear envelope protein 1; minus strand). Cytogenetic location: 6q25.2.
Variant type: single nucleotide variant.
Coding change: c.20419C>G on transcript NM_182961.4 (MANE Select); coding-DNA position 20419, C replaced by G.
Protein change: p.Leu6807Val; replaces leucine 6807 with valine.
Molecular consequence: missense variant.
Genome position (GRCh38, 1-based): chr6:152,234,778, G>C on the plus strand (C>G on the coding strand, the complement: SYNE1 is on the minus strand). VCF-style: chr6-152234778-G-C. GRCh37 (hg19) VCF-style: chr6-152555913-G-C.
Other names: c.20206C>G, p.Leu6736Val (NM_033071.5); c.20206C>G (NM_033071.3); short protein forms L6807V, L6736V.
Identifiers: ClinVar variation 1358083 (VCV001358083.4), dbSNP rs2083603543, ClinGen allele CA366120194.